The following is an entry in ClinVar:

NM_000512.5(GALNS):c.1451C>A (p.Pro484His)

Genes: GALNS (galactosamine (N-acetyl)-6-sulfatase; minus strand), LOC126862447 (CDK7 strongly-dependent group 2 enhancer GRCh37_chr16:88884193-88885392; plus strand). Cytogenetic location: 16q24.3.
Variant type: single nucleotide variant.
Coding change: c.1451C>A on transcript NM_000512.5 (MANE Select); coding-DNA position 1451, C replaced by A.
Protein change: p.Pro484His; replaces proline 484 with histidine.
Molecular consequence: missense variant.
Genome position (GRCh38, 1-based): chr16:88,818,038, G>T on the plus strand (C>A on the coding strand, the complement: GALNS is on the minus strand). VCF-style: chr16-88818038-G-T. GRCh37 (hg19) VCF-style: chr16-88884446-G-T.
Other names: c.896C>A, p.Pro299His (NM_001323543.2); c.1469C>A, p.Pro490His (NM_001323544.2); short protein forms P299H, P484H, P490H.
Identifiers: ClinVar variation 2628470 (VCV002628470.1), dbSNP rs1482155729, ClinGen allele CA397094207.

ClinVar aggregate classification (germline): Uncertain significance (1 of 4 stars; one submission).

Conditions:
GALNS-related disorder. Also called: GALNS-related condition.

Allele frequency attached by ClinVar (database versions not stated): gnomAD exomes below 0.00001.
gnomAD v4.1: 1 of 1,582,058 alleles (0.000063%); highest among the groups gnomAD compares: Non-Finnish European, 0.000086%; no homozygotes.

Submission:

PreventionGenetics, part of Exact Sciences
Classification: Uncertain significance for GALNS-related condition. Last evaluated: 2022-10-25. Review status: criteria provided, single submitter. Criteria: ACMG Guidelines, 2015. Collection method: clinical testing. Allele origin: germline.
Comment: The GALNS c.1451C>A variant is predicted to result in the amino acid substitution p.Pro484His. To our knowledge, this variant has not been reported in the literature. This variant is reported in 0.0011% of alleles in individuals of European (Non-Finnish) descent in gnomAD. Other variants at the same codon p.Pro484Leu and p.Pro484Ser were documented in trans with pathogenic variant in patients with mucopolysacharidosis IVA (Huang et al 2018. PubMed ID: 30138938; Tomatsu et al 2005. PubMed ID: 16287098). Although we suspect that this variant may be pathogenic, at this time, the clinical significance of this variant is uncertain due to the absence of conclusive functional and genetic evidence.